The following is an entry in ClinVar:

NM_025137.4(SPG11):c.5900_5901dup (p.Pro1968fs)

Gene: SPG11 (SPG11 vesicle trafficking associated, spatacsin; minus strand). Cytogenetic location: 15q21.1.
Variant type: Duplication.
Coding change: c.5900_5901dup on transcript NM_025137.4 (MANE Select); coding-DNA positions 5900 to 5901, 2 bases duplicated (TG; older notation c.5900_5901dupTG).
Protein change: p.Pro1968fs; shifts the reading frame from proline 1968.
Molecular consequence: frameshift variant. On other transcripts: intron variant (1).
Genome position (GRCh38, 1-based): chr15:44,575,007-44,575,008, CA duplicated on the plus strand (TG on the coding strand, the reverse complement: SPG11 is on the minus strand); duplicating any 2 consecutive bases within chr15:44,575,007-44,575,009 gives the same sequence; the c. name uses the placement nearest the transcript's 3' end. VCF-style (leftmost placement, unchanged base first): chr15-44575006-G-GCA. GRCh37 (hg19) VCF-style: chr15-44867204-G-GCA.
Other names: c.5867-2188_5867-2187dup (NM_001160227.2); short protein forms P1968fs.
Identifiers: ClinVar variation 1404395 (VCV001404395.7), dbSNP rs2140931516, ClinGen allele CA2573150859.

ClinVar aggregate classification (germline): Pathogenic/Likely pathogenic. Review status: criteria provided, multiple submitters, no conflicts (2 of 4 stars). 2 submissions from 2 submitters: Pathogenic (1); Likely pathogenic (1). Last evaluated 2021-03-23.

Conditions:
SPG11-related disorder. Also called: SPG11-related condition.
Hereditary spastic paraplegia 11. Also called: SPASTIC PARAPLEGIA, AUTOSOMAL RECESSIVE, COMPLICATED, WITH THIN CORPUS CALLOSUM; SPASTIC PARAPLEGIA, AUTOSOMAL RECESSIVE, WITH MENTAL IMPAIRMENT AND THIN CORPUS CALLOSUM; Nakamura Osame syndrome; Autosomal recessive hereditary spastic paraplegia, mental impairment, and thin corpus callosum; Spastic Paraplegia 11; Spastic paraplegia, mental retardation and thin corpus callosum. Identifiers: Orphanet 2822, MedGen C1858479, MONDO:0011445, OMIM 604360.

Submissions (2):

Labcorp Genetics (formerly Invitae), Labcorp
Classification: Pathogenic for Hereditary spastic paraplegia 11. Last evaluated: 2021-03-23. Review status: criteria provided, single submitter. Criteria: Invitae Variant Classification Sherloc (09022015). Collection method: clinical testing. Allele origin: germline.
Comment: This sequence change creates a premature translational stop signal (p.Pro1968Cysfs*8) in the SPG11 gene. It is expected to result in an absent or disrupted protein product. Loss-of-function variants in SPG11 are known to be pathogenic (PMID: 19105190, 20110243, 22154821). This variant is not present in population databases (ExAC no frequency). This variant has not been reported in the literature in individuals with SPG11-related conditions. For these reasons, this variant has been classified as Pathogenic.

Blueprint Genetics
Classification: Likely pathogenic for SPG11-related disorders. Last evaluated: 2018-12-31. Review status: criteria provided, single submitter. Criteria: ACMG Guidelines, 2015. Collection method: clinical testing. Allele origin: germline. Affected: yes. Observed: 1 variant allele.

Literature cited by the submitters: PubMed 19105190 (cited by Labcorp Genetics (formerly Invitae), Labcorp); PubMed 20110243 (cited by Labcorp Genetics (formerly Invitae), Labcorp); PubMed 22154821 (cited by Labcorp Genetics (formerly Invitae), Labcorp).